The following is an entry in ClinVar:

NM_000051.4(ATM):c.1370G>A (p.Arg457Gln)

Gene: ATM (ATM serine/threonine kinase; plus strand). Cytogenetic location: 11q22.3.
Variant type: single nucleotide variant.
Coding change: c.1370G>A on transcript NM_000051.4 (MANE Select); coding-DNA position 1370, G replaced by A.
Protein change: p.Arg457Gln; replaces arginine 457 with glutamine.
Molecular consequence: missense variant.
Genome position (GRCh38, 1-based): chr11:108,250,835, G>A. VCF-style: chr11-108250835-G-A. GRCh37 (hg19) VCF-style: chr11-108121562-G-A.
Other names: p.Arg457Gln; c.1370G>A, p.Arg457Gln (NM_001351834.2); short protein forms R457Q.
Identifiers: ClinVar variation 453362 (VCV000453362.64), dbSNP rs780097986, ClinGen allele CA6264809.

ClinVar aggregate classification (germline): Uncertain significance. Review status: criteria provided, multiple submitters, no conflicts (2 of 4 stars). 10 submissions from 10 submitters: Uncertain significance (9). 1 of the submissions does not count toward it. Last evaluated 2025-12-29.

Conditions:
Familial cancer of breast. Also called: hereditary breast carcinoma; Hereditary breast cancer; BREAST CANCER, FAMILIAL. Identifiers: Orphanet 227535, MedGen C0346153, MONDO:0016419, OMIM 114480. Disease mechanism: loss of function.
Hereditary cancer-predisposing syndrome. Also called: Hereditary neoplastic syndrome; Neoplastic Syndromes, Hereditary; Hereditary Cancer Syndrome; Tumor predisposition. Identifiers: Orphanet 140162, MedGen C0027672, MeSH D009386, MONDO:0015356.
Ataxia-telangiectasia syndrome (AT). Also called: Ataxia telangiectasia (A-T); LOUIS-BAR SYNDROME; Cerebello-oculocutaneous telangiectasia; Immunodeficiency with ataxia telangiectasia; Ataxia-telangiectasia, complementation group D; AT, COMPLEMENTATION GROUP C. Identifiers: Orphanet 100, MedGen C0004135, MONDO:0008840, OMIM 208900.

Allele frequency attached by ClinVar (database versions not stated): ExAC 0.00001; TOPMed 0.00002.

Submissions (10):

Center for Genomic Medicine, Rigshospitalet, Copenhagen University Hospital
Classification: Uncertain significance. Last evaluated: 2025-12-29. Review status: criteria provided, single submitter. Criteria: ACMG Guidelines, 2015. Collection method: clinical testing. Allele origin: germline.
Comment: Classification criteria: BP4

Labcorp Genetics (formerly Invitae), Labcorp
Classification: Uncertain significance for Ataxia-telangiectasia syndrome. Last evaluated: 2025-08-02. Review status: criteria provided, single submitter. Criteria: Invitae Variant Classification Sherloc (09022015). Collection method: clinical testing. Allele origin: germline.
Comment: This sequence change replaces arginine, which is basic and polar, with glutamine, which is neutral and polar, at codon 457 of the ATM protein (p.Arg457Gln). This variant is present in population databases (rs780097986, gnomAD 0.01%). This missense change has been observed in individual(s) with breast cancer (PMID: 30287823). ClinVar contains an entry for this variant (Variation ID: 453362). Invitae Evidence Modeling of protein sequence and biophysical properties (such as structural, functional, and spatial information, amino acid conservation, physicochemical variation, residue mobility, and thermodynamic stability) indicates that this missense variant is not expected to disrupt ATM protein function with a negative predictive value of 95%. In summary, the available evidence is currently insufficient to determine the role of this variant in disease. Therefore, it has been classified as a Variant of Uncertain Significance.

Mayo Clinic Laboratories, Mayo Clinic
Classification: Uncertain significance. Last evaluated: 2025-01-01. Review status: criteria provided, single submitter. Criteria: ACMG Guidelines, 2015. Collection method: clinical testing. Allele origin: germline. Observed: 1 variant allele.
Comment: BP4

GeneDx
Classification: Uncertain significance. Last evaluated: 2024-07-12. Review status: criteria provided, single submitter. Criteria: GeneDx Variant Classification Process June 2021. Collection method: clinical testing. Allele origin: germline. Affected: yes.
Comment: Not observed at significant frequency in large population cohorts (gnomAD); In silico analysis indicates that this missense variant does not alter protein structure/function; This variant is associated with the following publications: (PMID: 30287823, 35264596)

Ambry Genetics
Classification: Uncertain significance for Hereditary cancer-predisposing syndrome. Last evaluated: 2024-03-29. Review status: criteria provided, single submitter. Criteria: Ambry Variant Classification Scheme 2023. Collection method: clinical testing. Allele origin: germline.
Comment: The p.R457Q variant (also known as c.1370G>A), located in coding exon 9 of the ATM gene, results from a G to A substitution at nucleotide position 1370. The arginine at codon 457 is replaced by glutamine, an amino acid with highly similar properties. This alteration was observed with an allele frequency of 0.00028 in 7,051 unselected female breast cancer patients and was not observed in 11,241 female controls of Japanese ancestry (Momozawa Y et al. Nat Commun, 2018 10;9:4083). This amino acid position is well conserved in available vertebrate species. In addition, this alteration is predicted to be tolerated by in silico analysis. Since supporting evidence is limited at this time, the clinical significance of this alteration remains unclear.

Baylor Genetics
Classification: Uncertain significance for Familial cancer of breast. Last evaluated: 2024-02-18. Review status: criteria provided, single submitter. Criteria: ACMG Guidelines, 2015. Collection method: clinical testing. Allele origin: unknown.

Color Diagnostics, LLC DBA Color Health
Classification: Uncertain significance for Hereditary cancer-predisposing syndrome. Last evaluated: 2022-09-12. Review status: criteria provided, single submitter. Criteria: ACMG Guidelines, 2015. Collection method: clinical testing. Allele origin: germline.
Comment: This missense variant replaces arginine with glutamine at codon 457 of the ATM protein. Computational prediction suggests that this variant may not impact protein structure and function (internally defined REVEL score threshold <= 0.5, PMID: 27666373). To our knowledge, functional studies have not been reported for this variant. This variant has been reported in individuals affected with breast cancer (PMID: 30287823). This variant has been identified in 3/251396 chromosomes in the general population by the Genome Aggregation Database (gnomAD). The available evidence is insufficient to determine the role of this variant in disease conclusively. Therefore, this variant is classified as a Variant of Uncertain Significance.

Mendelics
Classification: Uncertain significance for Ataxia-telangiectasia syndrome. Last evaluated: 2018-07-02. Review status: criteria provided, single submitter. Criteria: Mendelics Assertion Criteria 2017. Collection method: clinical testing. Allele origin: unknown.

CeGaT Center for Human Genetics Tuebingen
Classification: Uncertain significance. Last evaluated: 2018-06-01. Review status: criteria provided, single submitter. Criteria: CeGaT Center For Human Genetics Tuebingen Variant Classification Criteria Version 2. Collection method: clinical testing. Allele origin: germline. Affected: yes. Observed: 1 variant allele.

Natera, Inc.
Classification: Uncertain significance for Ataxia-telangiectasia. Last evaluated: 2020-09-16. Review status: no assertion criteria provided. Collection method: clinical testing. Allele origin: germline. Not counted in ClinVar's aggregate classification.

Literature cited by the submitters: PubMed 30287823 (cited by 3 submitters).